The following is an entry in ClinVar:

NM_004415.4(DSP):c.1999T>C (p.Trp667Arg)

Gene: DSP (desmoplakin; plus strand). Cytogenetic location: 6p24.3.
Variant type: single nucleotide variant.
Coding change: c.1999T>C on transcript NM_004415.4 (MANE Select); coding-DNA position 1999, T replaced by C.
Protein change: p.Trp667Arg; replaces tryptophan 667 with arginine.
Molecular consequence: missense variant.
Genome position (GRCh38, 1-based): chr6:7,571,937, T>C. VCF-style: chr6-7571937-T-C. GRCh37 (hg19) VCF-style: chr6-7572170-T-C.
Other names: c.1999T>C, p.Trp667Arg (NM_001008844.3, NM_001319034.2); short protein forms W667R.
Identifiers: ClinVar variation 1332280 (VCV001332280.4), dbSNP rs1411393602, ClinGen allele CA362680332.

ClinVar aggregate classification (germline): Conflicting classifications of pathogenicity. Review status: criteria provided, conflicting classifications (1 of 4 stars). 2 submissions from 2 submitters: Uncertain significance (1); Likely benign (1). Last evaluated 2025-12-09.

Conditions:
Arrhythmogenic cardiomyopathy with wooly hair and keratoderma. Also called: Carvajal syndrome; Dilated cardiomyopathy with woolly hair and keratoderma; Arrhythmogenic cardiomyopathy with woolly hair and keratoderma; PALMOPLANTAR KERATODERMA WITH LEFT VENTRICULAR CARDIOMYOPATHY AND WOOLLY HAIR. Identifiers: Orphanet 65282, MedGen C1854063, MONDO:0011581, OMIM 605676.
Arrhythmogenic right ventricular dysplasia 8 (ARVD8). Also called: Arrhythmogenic Right Ventricular Dysplasia/Cardiomyopathy 8; ARRHYTHMOGENIC RIGHT VENTRICULAR DYSPLASIA, FAMILIAL, 8; ARRHYTHMOGENIC RIGHT VENTRICULAR CARDIOMYOPATHY 8. Identifiers: MedGen C1843896, MONDO:0011831, OMIM 607450.
Cardiomyopathy (CMYO). Also called: Cardiomyopathies. Identifiers: Orphanet 167848, MedGen C0878544, MONDO:0004994, HP:0001638. Inheritance: Various modes of inheritance.

Allele frequency attached by ClinVar (database versions not stated): gnomAD exomes below 0.00001; TOPMed below 0.00001.

Submissions (2):

Labcorp Genetics (formerly Invitae), Labcorp
Classification: Likely benign for Arrhythmogenic cardiomyopathy with wooly hair and keratoderma; Arrhythmogenic right ventricular dysplasia 8. Last evaluated: 2025-12-09. Review status: criteria provided, single submitter. Criteria: Invitae Variant Classification Sherloc (09022015). Collection method: clinical testing. Allele origin: germline.

Color Diagnostics, LLC DBA Color Health
Classification: Uncertain significance for Cardiomyopathy. Last evaluated: 2024-03-06. Review status: criteria provided, single submitter. Criteria: ACMG Guidelines, 2015. Collection method: clinical testing. Allele origin: germline.
Comment: This missense variant replaces tryptophan with arginine at codon 667 of the DSP protein. Computational prediction suggests that this variant may not impact protein structure and function (internally defined REVEL score threshold <= 0.5, PMID: 27666373). To our knowledge, functional studies have not been reported for this variant. This variant has not been reported in individuals affected with cardiovascular disorders in the literature. This variant has been identified in 1/251222 chromosomes in the general population by the Genome Aggregation Database (gnomAD). The available evidence is insufficient to determine the role of this variant in disease conclusively. Therefore, this variant is classified as a Variant of Uncertain Significance.